The following is an entry in ClinVar:

ClinVar aggregate classification (germline): Uncertain significance (1 of 4 stars; one submission).

Conditions:
Charcot-Marie-Tooth disease dominant intermediate B (CMTDIB). Also called: CHARCOT-MARIE-TOOTH NEUROPATHY, DOMINANT INTERMEDIATE B; Charcot-Marie-Tooth disease dominant intermediate 1; CMT DI1; Charcot-Marie-Tooth disease dominant intermediate I. Identifiers: Orphanet 100044, Orphanet 228179, MedGen C1847902, MONDO:0011674, OMIM 606482.

Submission:

Labcorp Genetics (formerly Invitae), Labcorp
Classification: Uncertain significance for Charcot-Marie-Tooth disease dominant intermediate B. Last evaluated: 2022-08-16. Review status: criteria provided, single submitter. Criteria: Invitae Variant Classification Sherloc (09022015). Collection method: clinical testing. Allele origin: germline.
Comment: In summary, the available evidence is currently insufficient to determine the role of this variant in disease. Therefore, it has been classified as a Variant of Uncertain Significance. Algorithms developed to predict the effect of missense changes on protein structure and function (SIFT, PolyPhen-2, Align-GVGD) all suggest that this variant is likely to be tolerated. ClinVar contains an entry for this variant (Variation ID: 1060207). This variant has not been reported in the literature in individuals affected with DNM2-related conditions. This variant is not present in population databases (gnomAD no frequency). This sequence change replaces asparagine, which is neutral and polar, with serine, which is neutral and polar, at codon 363 of the DNM2 protein (p.Asn363Ser).

NM_001005361.3(DNM2):c.1088A>G (p.Asn363Ser)

Gene: DNM2 (dynamin 2; plus strand). Cytogenetic location: 19p13.2.
Variant type: single nucleotide variant.
Coding change: c.1088A>G on transcript NM_001005361.3 (MANE Select); coding-DNA position 1088, A replaced by G.
Protein change: p.Asn363Ser; replaces asparagine 363 with serine.
Molecular consequence: missense variant.
Genome position (GRCh38, 1-based): chr19:10,793,815, A>G. VCF-style: chr19-10793815-A-G. GRCh37 (hg19) VCF-style: chr19-10904491-A-G.
Other names: c.1088A>G, p.Asn363Ser (NM_001005360.3, NM_001005362.3, NM_001190716.2 and 1 more transcripts); short protein forms N363S.
Identifiers: ClinVar variation 1060207 (VCV001060207.9), dbSNP rs2146014211, ClinGen allele CA404048008.